The following is an entry in ClinVar:

NM_152281.3(GORAB):c.719G>A (p.Arg240His)

Gene: GORAB (golgin, RAB6 interacting; plus strand). Cytogenetic location: 1q24.2.
Variant type: single nucleotide variant.
Coding change: c.719G>A on transcript NM_152281.3 (MANE Select); coding-DNA position 719, G replaced by A.
Protein change: p.Arg240His; replaces arginine 240 with histidine.
Molecular consequence: missense variant. On other transcripts: non-coding transcript variant (1).
Genome position (GRCh38, 1-based): chr1:170,552,071, G>A. VCF-style: chr1-170552071-G-A. GRCh37 (hg19) VCF-style: chr1-170521212-G-A.
Other names: c.254G>A, p.Arg85His (NM_001320252.2); short protein forms R265H, R85H, R240H.
Identifiers: ClinVar variation 293661 (VCV000293661.15), dbSNP rs149924639, ClinGen allele CA1239225.

ClinVar aggregate classification (germline): Likely benign. Review status: criteria provided, multiple submitters, no conflicts (2 of 4 stars). 4 submissions from 4 submitters: Likely benign (4). Last evaluated 2026-01-17.

Conditions:
GORAB-related disorder. Also called: GORAB-related condition.
Geroderma osteodysplastica (GO). Also called: WALT DISNEY DWARFISM; Geroderma osteodysplasticum. Identifiers: Orphanet 2078, MedGen C0432255, MONDO:0009271, OMIM 231070.

Allele frequency attached by ClinVar (database versions not stated): ESP Exome Variant Server 0.00008; gnomAD 0.00009 and 0.00010; TOPMed 0.00015; 1000 Genomes Project 30x 0.00078; 1000 Genomes Project 0.00080.
gnomAD v4.1: 256 of 1,613,972 alleles (0.016%); highest among the groups gnomAD compares: East Asian, 0.26%; no homozygotes.

Submissions (4):

Labcorp Genetics (formerly Invitae), Labcorp
Classification: Likely benign. Last evaluated: 2026-01-17. Review status: criteria provided, single submitter. Criteria: Invitae Variant Classification Sherloc (09022015). Collection method: clinical testing. Allele origin: germline.

PreventionGenetics, part of Exact Sciences
Classification: Likely benign for GORAB-related condition. Last evaluated: 2024-12-16. Review status: criteria provided, single submitter. Criteria: ACMG Guidelines, 2015. Collection method: clinical testing. Allele origin: germline.
Comment: This variant is classified as likely benign based on ACMG/AMP sequence variant interpretation guidelines (Richards et al. 2015 PMID: 25741868, with internal and published modifications).

Genome-Nilou Lab
Classification: Likely benign for Geroderma osteodysplastica. Last evaluated: 2023-04-11. Review status: criteria provided, single submitter. Criteria: ACMG Guidelines, 2015. Collection method: clinical testing. Allele origin: germline. Affected: no.

Illumina Laboratory Services, Illumina
Classification: Likely benign for Geroderma osteodysplastica. Last evaluated: 2018-01-12. Review status: criteria provided, single submitter. Criteria: ICSL Variant Classification Criteria 13 December 2019. Collection method: clinical testing. Allele origin: germline.
Comment: This variant was observed in the ICSL laboratory as part of a predisposition screen in an ostensibly healthy population. It had not been previously curated by ICSL or reported in the Human Gene Mutation Database (HGMD: prior to June 1st, 2018), and was therefore a candidate for classification through an automated scoring system. Utilizing variant allele frequency, disease prevalence and penetrance estimates, and inheritance mode, an automated score was calculated to assess if this variant is too frequent to cause the disease. Based on the score and internal cut-off values, a variant classified as likely benign is not then subjected to further curation. The score for this variant resulted in a classification of likely benign for this disease.